The following is an entry in ClinVar:

NM_020638.3(FGF23):c.583C>T (p.Pro195Ser)

Gene: FGF23 (fibroblast growth factor 23; minus strand). Cytogenetic location: 12p13.32.
Variant type: single nucleotide variant.
Coding change: c.583C>T on transcript NM_020638.3 (MANE Select); coding-DNA position 583, C replaced by T.
Protein change: p.Pro195Ser; replaces proline 195 with serine.
Molecular consequence: missense variant.
Genome position (GRCh38, 1-based): chr12:4,370,516, G>A on the plus strand (C>T on the coding strand, the complement: FGF23 is on the minus strand). VCF-style: chr12-4370516-G-A. GRCh37 (hg19) VCF-style: chr12-4479682-G-A.
Other names: short protein forms P195S.
Identifiers: ClinVar variation 585858 (VCV000585858.18), dbSNP rs13312793, ClinGen allele CA6395647.

ClinVar aggregate classification (germline): Benign/Likely benign. Review status: criteria provided, multiple submitters, no conflicts (2 of 4 stars). 7 submissions from 6 submitters: Benign (2); Likely benign (5). Last evaluated 2026-01-02.

Conditions:
Tumoral calcinosis, hyperphosphatemic, familial, 2. Identifiers: MedGen C4693863, MONDO:0060714, OMIM 617993.
Autosomal dominant hypophosphatemic rickets (ADHR). Also called: HYPOPHOSPHATEMIA, AUTOSOMAL DOMINANT; VITAMIN D-RESISTANT RICKETS, AUTOSOMAL DOMINANT. Identifiers: Orphanet 89937, MedGen C0342642, MONDO:0008660, OMIM 193100.

Allele frequency attached by ClinVar (database versions not stated): ESP Exome Variant Server 0.00231; 1000 Genomes Project 30x 0.00281; gnomAD 0.00297 and 0.00310; 1000 Genomes Project 0.00300; TOPMed 0.00334.
gnomAD v4.1: 822 of 1,611,462 alleles (0.051%); highest among the groups gnomAD compares: African/African-American, 0.93%; 6 homozygotes.

Submissions (7):

Labcorp Genetics (formerly Invitae), Labcorp
Classification: Likely benign. Last evaluated: 2026-01-02. Review status: criteria provided, single submitter. Criteria: Invitae Variant Classification Sherloc (09022015). Collection method: clinical testing. Allele origin: germline.

Blueprint Genetics
Classification: Likely benign. Last evaluated: 2024-11-25. Review status: criteria provided, single submitter. Criteria: ACMG Guidelines, 2015. Collection method: clinical testing. Allele origin: germline.

GeneDx
Classification: Likely benign. Last evaluated: 2019-04-08. Review status: criteria provided, single submitter. Criteria: GeneDx Variant Classification Process June 2021. Collection method: clinical testing. Allele origin: germline. Affected: yes.
Comment: This variant is associated with the following publications: (PMID: 18982401)

Athena Diagnostics
Classification: Benign. Last evaluated: 2018-04-20. Review status: criteria provided, single submitter. Criteria: Athena Diagnostics Criteria. Collection method: clinical testing. Allele origin: germline.

Illumina Laboratory Services, Illumina
Classification: Benign for Autosomal dominant hypophosphatemic rickets. Last evaluated: 2017-04-28. Review status: criteria provided, single submitter. Criteria: ICSL Variant Classification Criteria 13 December 2019. Collection method: clinical testing. Allele origin: germline.
Comment: This variant was observed as part of a predisposition screen in an ostensibly healthy population. A literature search was performed for the gene, cDNA change, and amino acid change (where applicable). No publications were found based on this search. Allele frequency data from public databases was too high to be consistent with this variant causing disease. Therefore, this variant is classified as benign.

Illumina Laboratory Services, Illumina
Classification: Likely benign for Tumoral calcinosis, hyperphosphatemic, familial, 2. Last evaluated: 2017-04-28. Review status: criteria provided, single submitter. Criteria: ICSL Variant Classification Criteria 13 December 2019. Collection method: clinical testing. Allele origin: germline.
Comment: This variant was observed as part of a predisposition screen in an ostensibly healthy population. A literature search was performed for the gene, cDNA change, and amino acid change (where applicable). Publications were found based on this search. The evidence from the literature, in combination with allele frequency data from public databases where available, was sufficient to determine this variant is unlikely to cause disease. Therefore, this variant is classified as likely benign.

Breakthrough Genomics
Classification: Likely benign. Review status: criteria provided, single submitter. Criteria: ACMG Guidelines, 2015. Collection method: not provided. Allele origin: germline. Inheritance: Autosomal recessive inheritance. Affected: yes.

Literature cited by the submitters: PubMed 18982401 (cited by Athena Diagnostics and Illumina Laboratory Services, Illumina).